The following is an entry in ClinVar:

NC_000006.11:g.(3064294_3076997)_(3115422_?)del

Gene: RIPK1 (receptor interacting serine/threonine kinase 1; plus strand). Cytogenetic location: 6p25.2.
Variant type: Deletion.
Identifiers: ClinVar variation 4853003 (VCV004853003.1).

ClinVar aggregate classification (germline): Pathogenic (1 of 4 stars; one submission).

Conditions:
Immunodeficiency 57. Also called: IMMUNODEFICIENCY 57 WITH AUTOINFLAMMATION. Identifiers: MedGen C4748212, MONDO:0020849, OMIM 618108.

Submission:

Women's Health and Genetics/Laboratory Corporation of America, LabCorp
Classification: Pathogenic for Immunodeficiency 57. Last evaluated: 2026-05-18. Review status: criteria provided, single submitter. Criteria: LabCorp Variant Classification Summary - May 2015. Collection method: clinical testing. Allele origin: germline.
Comment: Variant summary: The variant involves the deletion of exons 2-11 in the RIPK1 gene. A presumed nomenclature of c.(-61+1_-60-1)_(*1849_?)del has been designated for the purposes of this classification. The exact breakpoint at the distal 3' end of this variant is unknown, therefore this deletion may extend downstream of the annotated region of the gene. As it encompasses the termination codon, it is predicted to escape nonsense mediated decay (NMD). Loss-of-function variants in this gene are known to be pathogenic. The frequency of this variant in the general population could not be determined as the technology used for large population databases (ExAC, gnomAD, ESP, 1000G) cannot detect variants of this type. To our knowledge, no occurrence of c.(-61+1_-60-1)_(*1849_?)del in individuals affected with RIPK1-related conditions and no experimental evidence demonstrating its impact on protein function have been reported. At least one variant within the deleted region (c.970G>C, p.Asp324His) has been classified as Pathogenic by our lab. No submitters have cited clinical-significance assessments for this variant to ClinVar. Based on the evidence outlined above, the variant was classified as pathogenic.